The following is an entry in ClinVar:

ClinVar aggregate classification (germline): Uncertain significance (1 of 4 stars; one submission).

Conditions:
Inborn genetic diseases. Identifiers: MedGen C0950123, MeSH D030342.

Submission:

Ambry Genetics
Classification: Uncertain significance for Inborn genetic diseases. Last evaluated: 2018-03-22. Review status: criteria provided, single submitter. Criteria: Ambry Variant Classification Scheme 2023. Collection method: clinical testing. Allele origin: germline.
Comment: The p.S1081P variant (also known as c.3241T>C), located in coding exon 26 of the SMC3 gene, results from a T to C substitution at nucleotide position 3241. The serine at codon 1081 is replaced by proline, an amino acid with similar properties. This amino acid position is highly conserved in available vertebrate species. In addition, the in silico prediction for this alteration is inconclusive. Since supporting evidence is limited at this time, the clinical significance of this alteration remains unclear.

NM_005445.4(SMC3):c.3241T>C (p.Ser1081Pro)

Gene: SMC3 (structural maintenance of chromosomes 3; plus strand). Cytogenetic location: 10q25.2.
Variant type: single nucleotide variant.
Coding change: c.3241T>C on transcript NM_005445.4 (MANE Select); coding-DNA position 3241, T replaced by C.
Protein change: p.Ser1081Pro; replaces serine 1081 with proline.
Molecular consequence: missense variant.
Genome position (GRCh38, 1-based): chr10:110,602,609, T>C. VCF-style: chr10-110602609-T-C. GRCh37 (hg19) VCF-style: chr10-112362367-T-C.
Other names: short protein forms S1081P.
Identifiers: ClinVar variation 1729309 (VCV001729309.2), dbSNP rs2493149446, ClinGen allele CA378394802.
Genomic context (GRCh38, chr10:110,602,609, plus strand): 5'-GATGTGGAGGGCAGTCAGTCTCAAGATGAAGGAGAAGGGAGTGGTGAGAGTGAGAGGGGT[T>C]CTGGCTCACAAAGCAGTGTCCCATCAGTTGACCAGTTTACTGGAGTTGGAATTAGGGTAA-3'
Protein context (NP_005436.1, residues 1071-1091): GEGSGESERG[Ser1081Pro]GSQSSVPSVD